The following is an entry in ClinVar:

ClinVar aggregate classification (germline): Benign. Review status: reviewed by expert panel (3 of 4 stars). 5 submissions from 5 submitters: Benign (1). 4 of the submissions do not count toward it. Last evaluated 2020-08-18.

Conditions:
ETHE1-related disorder. Also called: ETHE1-related condition.
Ethylmalonic encephalopathy (EE). Also called: EPEMA syndrome; Encephalopathy, petechiae, and ethylmalonic aciduria; Syndrome of encephalopathy, petechiae, and ethylmalonic aciduria. Identifiers: Orphanet 51188, MedGen C1865349, MONDO:0011229, OMIM 602473. Disease mechanism: loss of function.

Allele frequency attached by ClinVar (database versions not stated): gnomAD 0.00006 and 0.00009; gnomAD exomes 0.00007 and 0.00016; TOPMed 0.00025; ExAC 0.00031; 1000 Genomes Project 30x 0.00047; 1000 Genomes Project 0.00060.
gnomAD v4.1: 113 of 1,607,524 alleles (0.007%); highest among the groups gnomAD compares: East Asian, 0.23%; 1 homozygote.

Submissions (5):

ClinGen Mitochondrial Disease Nuclear and Mitochondrial  Variant Curation Expert Panel, ClinGen
Classification: Benign for Ethylmalonic encephalopathy. Last evaluated: 2020-08-18. Review status: reviewed by expert panel. Criteria: clingen mito disease acmg specifications v1-1. Collection method: curation. Allele origin: germline. Inheritance: Autosomal recessive inheritance.
Comment: The filtering allele frequency of the c.573C>T variant in the ETHE1 gene is 0.373% by the Exome Aggregation Consortium, which is a high enough frequency to be classified as benign based on thresholds defined by the ClinGen Mito Variant Curation Expert Panel (BA1)

Labcorp Genetics (formerly Invitae), Labcorp
Classification: Benign for Ethylmalonic encephalopathy. Last evaluated: 2025-11-23. Review status: criteria provided, single submitter. Criteria: Invitae Variant Classification Sherloc (09022015). Collection method: clinical testing. Allele origin: germline. Not counted in ClinVar's aggregate classification.

Blueprint Genetics
Classification: Likely benign. Last evaluated: 2024-11-20. Review status: criteria provided, single submitter. Criteria: ACMG Guidelines, 2015. Collection method: clinical testing. Allele origin: germline. Not counted in ClinVar's aggregate classification.

GeneDx
Classification: Likely benign. Last evaluated: 2017-06-22. Review status: criteria provided, single submitter. Criteria: GeneDx Variant Classification (06012015). Collection method: clinical testing. Allele origin: germline. Affected: yes. Not counted in ClinVar's aggregate classification.
Comment: This variant is considered likely benign or benign based on one or more of the following criteria: it is a conservative change, it occurs at a poorly conserved position in the protein, it is predicted to be benign by multiple in silico algorithms, and/or has population frequency not consistent with disease.

PreventionGenetics, part of Exact Sciences
Classification: Likely benign for ETHE1-related condition. Last evaluated: 2019-09-20. Review status: no assertion criteria provided. Collection method: clinical testing. Allele origin: germline. Not counted in ClinVar's aggregate classification.
Comment: This variant is classified as likely benign based on ACMG/AMP sequence variant interpretation guidelines (Richards et al. 2015 PMID: 25741868, with internal and published modifications).

NM_014297.5(ETHE1):c.573C>T (p.Ile191=)

Gene: ETHE1 (ETHE1 persulfide dioxygenase; minus strand). Cytogenetic location: 19q13.31.
Variant type: single nucleotide variant.
Coding change: c.573C>T on transcript NM_014297.5 (MANE Select); coding-DNA position 573, C replaced by T.
Protein change: p.Ile191=; no amino-acid change (isoleucine 191 retained).
Molecular consequence: synonymous variant.
Genome position (GRCh38, 1-based): chr19:43,508,797, G>A on the plus strand (C>T on the coding strand, the complement: ETHE1 is on the minus strand). VCF-style: chr19-43508797-G-A. GRCh37 (hg19) VCF-style: chr19-44012949-G-A.
Other names: NM_014297.5(ETHE1):c.573C>T; p.Ile191=; c.540C>T, p.Ile180= (NM_001320867.2); c.204C>T, p.Ile68= (NM_001320868.2); c.279C>T, p.Ile93= (NM_001320869.2); c.573C>T (NM_014297.4).
Identifiers: ClinVar variation 517993 (VCV000517993.16), dbSNP rs139119694, ClinGen allele CA9487821.